The following is an entry in ClinVar:

ClinVar aggregate classification (germline): Uncertain significance (1 of 4 stars; one submission).

Conditions:
Familial focal epilepsy with variable foci (FPEVF). Identifiers: Orphanet 98820, MedGen C1858477, MONDO:0020310.

Allele frequency attached by ClinVar (database versions not stated): gnomAD exomes below 0.00001.
gnomAD v4.1: 1 of 1,613,984 alleles (0.000062%); highest among the groups gnomAD compares: Non-Finnish European, 0.000085%; no homozygotes.

Submission:

Labcorp Genetics (formerly Invitae), Labcorp
Classification: Uncertain significance for Familial focal epilepsy with variable foci. Last evaluated: 2024-04-29. Review status: criteria provided, single submitter. Criteria: Invitae Variant Classification Sherloc (09022015). Collection method: clinical testing. Allele origin: germline.
Comment: This sequence change replaces aspartic acid, which is acidic and polar, with asparagine, which is neutral and polar, at codon 390 of the DEPDC5 protein (p.Asp390Asn). This variant is not present in population databases (gnomAD no frequency). This variant has not been reported in the literature in individuals affected with DEPDC5-related conditions. ClinVar contains an entry for this variant (Variation ID: 2108754). Experimental studies and prediction algorithms are not available or were not evaluated, and the functional significance of this variant is currently unknown. In summary, the available evidence is currently insufficient to determine the role of this variant in disease. Therefore, it has been classified as a Variant of Uncertain Significance.

NM_001242896.3(DEPDC5):c.1168G>A (p.Asp390Asn)

Gene: DEPDC5 (DEP domain containing 5, GATOR1 subcomplex subunit; plus strand). Cytogenetic location: 22q12.3.
Variant type: single nucleotide variant.
Coding change: c.1168G>A on transcript NM_001242896.3 (MANE Select); coding-DNA position 1168, G replaced by A.
Protein change: p.Asp390Asn; replaces aspartic acid 390 with asparagine.
Molecular consequence: missense variant. On other transcripts: non-coding transcript variant (5).
Genome position (GRCh38, 1-based): chr22:31,804,866, G>A. VCF-style: chr22-31804866-G-A. GRCh37 (hg19) VCF-style: chr22-32200852-G-A.
Other names: c.1168G>A, p.Asp390Asn (NM_001007188.4, NM_001136029.4, NM_001242897.2 and 7 more transcripts); c.1084G>A, p.Asp362Asn (NM_001369901.1, NM_001369902.1); short protein forms D362N, D390N.
Identifiers: ClinVar variation 2108754 (VCV002108754.4), dbSNP rs2518937581, ClinGen allele CA411293549.